The following is an entry in ClinVar:

ClinVar aggregate classification (germline): Conflicting classifications of pathogenicity. Review status: criteria provided, conflicting classifications (1 of 4 stars). 11 submissions from 10 submitters: Pathogenic (2); Likely pathogenic (6); Uncertain significance (3). Last evaluated 2026-09-22.

Conditions:
Cardiovascular phenotype. Identifiers: MedGen CN230736.
TNNT2-related disorder. Also called: TNNT2-related condition.
Cardiomyopathy (CMYO). Also called: Cardiomyopathies. Identifiers: Orphanet 167848, MedGen C0878544, MONDO:0004994, HP:0001638. Inheritance: Various modes of inheritance.
Dilated cardiomyopathy 1D. Identifiers: Orphanet 154, Orphanet 54260, MedGen C1832243, MONDO:0011095, OMIM 601494.
Hypertrophic cardiomyopathy 2. Also called: TNNT2-Related Familial Hypertrophic Cardiomyopathy. Identifiers: MedGen C1861864, MONDO:0007266, OMIM 115195.
Cardiomyopathy, familial restrictive, 3. Identifiers: Orphanet 75249, MedGen C2676271, MONDO:0012900, OMIM 612422.
Primary dilated cardiomyopathy (DCM). Also called: Dilated Cardiomyopathy. Identifiers: Orphanet 217604, MedGen C0007193, MeSH D002311, MONDO:0005021, HP:0001644. Inheritance: Various modes of inheritance.

Allele frequency attached by ClinVar (database versions not stated): gnomAD 0.00001 and 0.00002; gnomAD exomes 0.00001; TOPMed 0.00001.
gnomAD v4.1: 16 of 1,614,072 alleles (0.00099%); highest among the groups gnomAD compares: Non-Finnish European, 0.0012%; no homozygotes.

Submissions (11):

PreventionGenetics, part of Exact Sciences
Classification: Likely pathogenic for TNNT2-related condition. Last evaluated: 2026-09-22. Review status: criteria provided, single submitter. Criteria: ACMG Guidelines, 2015. Collection method: clinical testing. Allele origin: germline.
Comment: The TNNT2 c.514G>T variant is predicted to result in the amino acid substitution p.Ala172Ser. This variant has been reported in multiple individuals with dilated or hypertrophic cardiomyopathy, and has been observed to co-segregate with disease in a family with dilated cardiomyopathy (Stefanelli et al. 2004. PubMed ID: 15464434; Table S5, Viswanathan et al. 2017. PubMed ID: 29121657; Table S13, Dewey et al. 2016. PubMed ID: 28008009; Table S9, Stava et al. 2022. PubMed ID: 35653365). A functional study using protein expression in a cell culture model supports this variant's association with a dilated cardiomyopathy phenotype (Figure 4, Pettinato et al. 2020. PubMed ID: 33025817). This variant is present in 0.0040% of alleles in individuals of European (Finnish) descent in gnomAD. This variant is interpreted as likely pathogenic.

CeGaT Center for Human Genetics Tuebingen
Classification: Likely pathogenic. Last evaluated: 2026-08-01. Review status: criteria provided, single submitter. Criteria: CeGaT Center For Human Genetics Tuebingen Variant Classification Criteria Version 2. Collection method: clinical testing. Allele origin: germline. Affected: yes. Observed: 2 variant alleles.
Comment: TNNT2: PM2, PP1:Moderate, PS4:Moderate, PS3:Supporting

Labcorp Genetics (formerly Invitae), Labcorp
Classification: Pathogenic for Cardiomyopathy, familial restrictive, 3; Hypertrophic cardiomyopathy 2; Dilated cardiomyopathy 1D. Last evaluated: 2026-01-25. Review status: criteria provided, single submitter. Criteria: Invitae Variant Classification Sherloc (09022015). Collection method: clinical testing. Allele origin: germline.
Comment: This sequence change replaces alanine, which is neutral and non-polar, with serine, which is neutral and polar, at codon 172 of the TNNT2 protein (p.Ala172Ser). This variant is present in population databases (rs730881097, gnomAD 0.004%). This missense change has been observed in individuals with dilated cardiomyopathy or hypertrophic cardiomyopathy (PMID: 15464434, 22292720, 29121657; internal data). It has also been observed to segregate with disease in related individuals. This variant is also known as A171S. ClinVar contains an entry for this variant (Variation ID: 181612). Invitae Evidence Modeling of protein sequence and biophysical properties (such as structural, functional, and spatial information, amino acid conservation, physicochemical variation, residue mobility, and thermodynamic stability) indicates that this missense variant is not expected to disrupt TNNT2 protein function with a negative predictive value of 80%. Studies have shown that this missense change alters TNNT2 gene expression (PMID: 33025817). For these reasons, this variant has been classified as Pathogenic.

Color Diagnostics, LLC DBA Color Health
Classification: Likely pathogenic for Cardiomyopathy. Last evaluated: 2025-06-17. Review status: criteria provided, single submitter. Criteria: ACMG Guidelines, 2015. Collection method: clinical testing. Allele origin: germline.
Comment: This missense variant replaces alanine with serine at codon 172 in the tropomyosin binding domain 1 of the TNNT2 protein. Computational prediction suggests that this variant may have a deleterious impact on protein structure and function. To our knowledge, functional studies have not been reported for this variant. This variant has been shown to segregate with dilated cardiomyopathy in multiple affected individuals in two families (PMID: 15464434, 35653365). This variant has also been reported in two additional unrelated individuals affected with dilated cardiomyopathy (PMID: 22292720, 28008009) and in two individuals affected with hypertrophic cardiomyopathy (PMID: 29121657, 35653365). This variant has been identified in 4/282894 chromosomes in the general population by the Genome Aggregation Database (gnomAD). Based on the available evidence, this variant is classified as Likely Pathogenic.

GeneDx
Classification: Uncertain significance. Last evaluated: 2025-04-13. Review status: criteria provided, single submitter. Criteria: GeneDx Variant Classification Process June 2021. Collection method: clinical testing. Allele origin: germline. Affected: yes.
Comment: Published functional study suggests A172S significantly reduced twitch force (PMID: 33025817); Not observed at significant frequency in large population cohorts (gnomAD); In silico analysis indicates that this missense variant does not alter protein structure/function; This variant is associated with the following publications: (PMID: 29121657, 35653365, 22292720, 28008009, 15464434, 33025817)

Ambry Genetics
Classification: Likely pathogenic for Cardiovascular phenotype. Last evaluated: 2024-10-18. Review status: criteria provided, single submitter. Criteria: Ambry Variant Classification Scheme 2023. Collection method: clinical testing. Allele origin: germline.
Comment: The p.A172S variant (also known as c.514G>T), located in coding exon 10 of the TNNT2 gene, results from a G to T substitution at nucleotide position 514. The alanine at codon 172 is replaced by serine, an amino acid with similar properties. This variant was identified in individuals with features consistent with dilated cardiomyopathy (DCM) and segregated with disease in at least one family (Stefanelli CB et al. Mol Genet Metab, 2004;83:188-96; J&aacute;chymov&aacute; M et al. Physiol Res, 2012 Jan;61:169-75; Dewey FE et al. Science, 2016 Dec;354:[ePub ahead of print]; Viswanathan SK et al. PLoS One, 2017 Nov;12:e0187948; Stava TT et al. Eur J Prev Cardiol, 2022 Oct;29:1789-1799; Ambry internal data; external communication). In an assay testing TNNT2 function, this variant showed a functionally abnormal result (Pettinato AM et al. Circulation, 2020 Dec;142:2262-2275). This amino acid position is well conserved in available vertebrate species. In addition, this alteration is predicted to be deleterious by in silico analysis. Based on the majority of available evidence to date, this variant is likely to be pathogenic.

All of Us Research Program, National Institutes of Health
Classification: Likely pathogenic for Primary dilated cardiomyopathy. Last evaluated: 2024-07-10. Review status: criteria provided, single submitter. Criteria: ACMG Guidelines, 2015. Collection method: clinical testing. Allele origin: germline. Inheritance: Autosomal dominant inheritance. Observed: 8 variant alleles, 8 heterozygotes.
Comment: This missense variant replaces alanine with serine at codon 172 of the TNNT2 protein. Computational prediction suggests that this variant may have a deleterious impact on protein structure and function (internally defined REVEL score threshold >= 0.7, PMID: 27666373). To our knowledge, functional studies have not been reported for this variant. This variant has been shown to segregate with dilated cardiomyopathy in multiple affected individuals in two families (PMID: 15464434, 35653365). This variant has also been reported in two additional unrelated individuals affected with dilated cardiomyopathy (PMID: 22292720, 28008009) and two individuals affected with hypertrophic cardiomyopathy (PMID: 29121657, 35653365). This variant has been identified in 4/282894 chromosomes in the general population by the Genome Aggregation Database (gnomAD). Based on the available evidence, this variant is classified as Likely Pathogenic.

This study involves interpretation of variants in research participants for the purpose of population health screening. Participant phenotype was not available at the time of variant classification. Additional details can be found in publication PMID: 35346344, PMCID: PMC8962531

Blueprint Genetics
Classification: Pathogenic for TNNT2-related disorders. Last evaluated: 2023-08-09. Review status: criteria provided, single submitter. Criteria: ACMG Guidelines, 2015. Collection method: clinical testing. Allele origin: germline. Affected: yes. Observed: 5 variant alleles.

Laboratory for Molecular Medicine, Mass General Brigham Personalized Medicine
Classification: Likely pathogenic for Primary dilated cardiomyopathy. Last evaluated: 2019-03-07. Review status: criteria provided, single submitter. Criteria: LMM Criteria. Collection method: clinical testing. Allele origin: germline. Inheritance: Autosomal dominant inheritance. Observed: 3 variant alleles.
Comment: The p.Ala172Ser variant in TNNT2 has been reported in 1 individual with DCM and segregated with disease in at least 4 affected relatives (Stefanelli 2004). Present in ClinVar (ID 18162) and gnomad 4/282894 total chromosomes. It has also been identified in 1/80 HCM patients by Viswanathan 2017. This variant was predicted to be pathogenic using a computational tool clinically validated by our laboratory. This tool's pathogenic prediction is estimated to be correct 94% of the time (Jordan 2011). In summary, while there is some suspicion for a pathogenic role, the clinical significance of the p.Ala172Ser variant is uncertain. ACMG/AMP Criteria applied: PM2, PP1, PP3.

Illumina Laboratory Services, Illumina
Classification: Uncertain significance for Hypertrophic cardiomyopathy 2. Last evaluated: 2017-10-11. Review status: criteria provided, single submitter. Criteria: ICSL Variant Classification Criteria 13 December 2019. Collection method: clinical testing. Allele origin: germline.
Comment: This variant was observed as part of a predisposition screen in an ostensibly healthy population. A literature search was performed for the gene, cDNA change, and amino acid change (where applicable). Publications were found based on this search. However, the evidence from the literature, in combination with allele frequency data from public databases where available, was not sufficient to rule this variant in or out of causing disease. Therefore, this variant is classified as a variant of unknown significance.

Illumina Laboratory Services, Illumina
Classification: Uncertain significance for Cardiomyopathy, familial restrictive, 3. Last evaluated: 2017-10-11. Review status: criteria provided, single submitter. Criteria: ICSL Variant Classification Criteria 13 December 2019. Collection method: clinical testing. Allele origin: germline.
Comment: the same text as in the submission from Illumina Laboratory Services, Illumina above.

Literature cited by the submitters: PubMed 15464434 (cited by 6 submitters); PubMed 22292720 (cited by 5 submitters); PubMed 29121657 (cited by 4 submitters); PubMed 33025817 (cited by Labcorp Genetics (formerly Invitae), Labcorp and Ambry Genetics); PubMed 28008009 (cited by 3 submitters); PubMed 35653365 (cited by 3 submitters).

NM_001276345.2(TNNT2):c.544G>T (p.Ala182Ser)

Gene: TNNT2 (troponin T2, cardiac type; minus strand). Cytogenetic location: 1q32.1.
Variant type: single nucleotide variant.
Coding change: c.544G>T on transcript NM_001276345.2 (MANE Select); coding-DNA position 544, G replaced by T.
Protein change: p.Ala182Ser; replaces alanine 182 with serine.
Molecular consequence: missense variant.
Genome position (GRCh38, 1-based): chr1:201,363,352, C>A on the plus strand (G>T on the coding strand, the complement: TNNT2 is on the minus strand). VCF-style: chr1-201363352-C-A. GRCh37 (hg19) VCF-style: chr1-201332480-C-A.
Other names: c.544G>T, p.Ala182Ser (NM_000364.4); c.514G>T, p.Ala172Ser (NM_001001430.3, NM_001001431.3, NM_001276347.2); c.499G>T, p.Ala167Ser (NM_001001432.3); c.424G>T, p.Ala142Ser (NM_001276346.2); short protein forms A172S, A182S, A142S, A167S.
Identifiers: ClinVar variation 181612 (VCV000181612.35), dbSNP rs730881097, ClinGen allele CA004712.